The following is an entry in ClinVar:

NM_000193.4(SHH):c.851_873del (p.Glu284fs)

Gene: SHH (sonic hedgehog signaling molecule; minus strand). Cytogenetic location: 7q36.3.
Variant type: Deletion.
Coding change: c.851_873del on transcript NM_000193.4 (MANE Select); coding-DNA positions 851 to 873, 23 bases deleted (AGCCCGAGGCGTCCTCGGGCTCG).
Protein change: p.Glu284fs; shifts the reading frame from glutamic acid 284.
Molecular consequence: frameshift variant. On other transcripts: intron variant (1).
Genome position (GRCh38, 1-based): chr7:155,803,416-155,803,438, CGAGCCCGAGGACGCCTCGGGCT deleted on the plus strand (AGCCCGAGGCGTCCTCGGGCTCG on the coding strand, the reverse complement: SHH is on the minus strand); deleting any 23 consecutive bases within chr7:155,803,416-155,803,439 gives the same sequence; the c. name uses the placement nearest the transcript's 3' end. VCF-style (leftmost placement, unchanged base first): chr7-155803415-CCGAGCCCGAGGACGCCTCGGGCT-C. GRCh37 (hg19) VCF-style: chr7-155596109-CCGAGCCCGAGGACGCCTCGGGCT-C.
Other names: c.301+2858_301+2880del (NM_001310462.2); short protein forms E284fs.
Identifiers: ClinVar variation 464839 (VCV000464839.9), dbSNP rs1554493810, ClinGen allele CA658657742.

ClinVar aggregate classification (germline): Pathogenic (1 of 4 stars; one submission).

Conditions:
Holoprosencephaly 3 (HPE3). Identifiers: Orphanet 2162, MedGen C1840529, MONDO:0007733, OMIM 142945.

Submission:

Labcorp Genetics (formerly Invitae), Labcorp
Classification: Pathogenic for Holoprosencephaly 3. Last evaluated: 2018-05-30. Review status: criteria provided, single submitter. Criteria: Invitae Variant Classification Sherloc (09022015). Collection method: clinical testing. Allele origin: germline.
Comment: Approximately 30% of SHH-related holoprosencephaly cases have been observed to be de novo (PMID: 21940735). In addition, clinical and experimental evidence strongly suggest that the C-terminus of the SHH protein is critical for functional activity (PMID: 9335337, 15292211, 15292211, 22791840, 19603532, 25569381). For these reasons, this variant has been classified as Pathogenic. While this variant is not present in population databases, the frequency information is unreliable, as metrics indicate poor data quality at this position in the ExAC database. This sequence change deletes 23 nucleotide in exon 3 of the SHH mRNA (c.851_873del), causing a frameshift at codon 284. This creates a premature translational stop signal in the last exon of the SHH mRNA (p.Glu284Glyfs*31). While this is not anticipated to result in nonsense mediated decay, it is expected to result in a truncated SHH protein that disrupts the final 178 amino acids.

Literature cited by the submitters: PubMed 21940735; PubMed 9335337; PubMed 15292211; PubMed 22791840; PubMed 19603532; PubMed 25569381.